The following is an entry in ClinVar:

NM_152743.4(BRAT1):c.1487A>G (p.Gln496Arg)

Gene: BRAT1 (BRCA1 associated ATM activator 1; minus strand). Cytogenetic location: 7p22.3.
Variant type: single nucleotide variant.
Coding change: c.1487A>G on transcript NM_152743.4 (MANE Select); coding-DNA position 1487, A replaced by G.
Protein change: p.Gln496Arg; replaces glutamine 496 with arginine.
Molecular consequence: missense variant. On other transcripts: non-coding transcript variant (1).
Genome position (GRCh38, 1-based): chr7:2,539,797, T>C on the plus strand (A>G on the coding strand, the complement: BRAT1 is on the minus strand). VCF-style: chr7-2539797-T-C. GRCh37 (hg19) VCF-style: chr7-2579431-T-C.
Other names: c.1487A>G, p.Gln496Arg (NM_001350626.2); c.962A>G, p.Gln321Arg (NM_001350627.2); short protein forms Q321R, Q496R.
Identifiers: ClinVar variation 851385 (VCV000851385.12), dbSNP rs142667367, ClinGen allele CA4127731.

ClinVar aggregate classification (germline): Conflicting classifications of pathogenicity. Review status: criteria provided, conflicting classifications (1 of 4 stars). 3 submissions from 3 submitters: Uncertain significance (2); Likely benign (1). Last evaluated 2025-11-09.

Conditions:
Inborn genetic diseases. Identifiers: MedGen C0950123, MeSH D030342.
Neonatal-onset encephalopathy with rigidity and seizures. Also called: Lethal neonatal spasticity-epileptic encephalopathy syndrome. Identifiers: Orphanet 435845, MedGen C3281029, MONDO:0013784, OMIM 614498.

Allele frequency attached by ClinVar (database versions not stated): ExAC 0.00001; 1000 Genomes Project 30x 0.00016; 1000 Genomes Project 0.00020; gnomAD exomes 0.00001 and 0.00002; gnomAD 0.00007 and 0.00008; ESP Exome Variant Server 0.00008; TOPMed 0.00009.
gnomAD v4.1: 23 of 1,611,706 alleles (0.0014%); highest among the groups gnomAD compares: African/African-American, 0.029%; no homozygotes.

Submissions (3):

Labcorp Genetics (formerly Invitae), Labcorp
Classification: Likely benign for Neonatal-onset encephalopathy with rigidity and seizures. Last evaluated: 2025-11-09. Review status: criteria provided, single submitter. Criteria: Invitae Variant Classification Sherloc (09022015). Collection method: clinical testing. Allele origin: germline.

Ambry Genetics
Classification: Uncertain significance for Inborn genetic diseases. Last evaluated: 2025-10-30. Review status: criteria provided, single submitter. Criteria: Ambry Variant Classification Scheme 2023. Collection method: clinical testing. Allele origin: germline.

Greenwood Genetic Center Diagnostic Laboratories, Greenwood Genetic Center
Classification: Uncertain significance. Last evaluated: 2020-12-09. Review status: criteria provided, single submitter. Criteria: ACMG Guidelines, 2015. Collection method: clinical testing. Allele origin: germline. Affected: yes.
Comment: PM2